The following is an entry in ClinVar:

ClinVar aggregate classification (germline): Pathogenic (1 of 4 stars; one submission).

Conditions:
Hereditary cancer-predisposing syndrome. Also called: Tumor predisposition; Hereditary Cancer Syndrome; Neoplastic Syndromes, Hereditary; Hereditary neoplastic syndrome. Identifiers: Orphanet 140162, MedGen C0027672, MeSH D009386, MONDO:0015356.

Submission:

Ambry Genetics
Classification: Pathogenic for Hereditary cancer-predisposing syndrome. Last evaluated: 2018-09-26. Review status: criteria provided, single submitter. Criteria: Ambry Variant Classification Scheme 2023. Collection method: clinical testing. Allele origin: germline.
Comment: The p.E1020* pathogenic mutation (also known as c.3058G>T), located in coding exon 15 of the APC gene, results from a G to T substitution at nucleotide position 3058. This changes the amino acid from a glutamic acid to a stop codon within coding exon 15. In addition to the clinical data presented in the literature, this alteration is expected to result in loss of function by premature protein truncation or nonsense-mediated mRNA decay. As such, this alteration is interpreted as a disease-causing mutation.

Literature cited by the submitters: PubMed 10094547.

NM_000038.6(APC):c.3058G>T (p.Glu1020Ter)

Gene: APC (APC regulator of Wnt signaling pathway; plus strand). Cytogenetic location: 5q22.2.
Variant type: single nucleotide variant.
Coding change: c.3058G>T on transcript NM_000038.6 (MANE Select); coding-DNA position 3058, G replaced by T.
Protein change: p.Glu1020Ter; replaces glutamic acid 1020 with a stop codon.
Molecular consequence: nonsense.
Genome position (GRCh38, 1-based): chr5:112,838,652, G>T. VCF-style: chr5-112838652-G-T. GRCh37 (hg19) VCF-style: chr5-112174349-G-T.
Other names: c.3058G>T, p.Glu1020Ter (NM_001127510.3, NM_001354895.2); c.3004G>T, p.Glu1002Ter (NM_001127511.3); c.3112G>T, p.Glu1038Ter (NM_001354896.2); c.3088G>T, p.Glu1030Ter (NM_001354897.2); c.2983G>T, p.Glu995Ter (NM_001354898.2); c.2974G>T, p.Glu992Ter (NM_001354899.2); c.2935G>T, p.Glu979Ter (NM_001354900.2); c.2881G>T, p.Glu961Ter (NM_001354901.2); and 5 more; short protein forms E860*, E919*, E737*, E979*, E992*, E1030*, E894*, E929*.
Identifiers: ClinVar variation 822747 (VCV000822747.4), dbSNP rs1580630407, ClinGen allele CA16028031.